The following is an entry in ClinVar:

ClinVar aggregate classification (germline): Uncertain significance (1 of 4 stars; one submission).

Submission:

Labcorp Genetics (formerly Invitae), Labcorp
Classification: Uncertain significance. Last evaluated: 2022-06-14. Review status: criteria provided, single submitter. Criteria: Invitae Variant Classification Sherloc (09022015). Collection method: clinical testing. Allele origin: germline.
Comment: This variant is not present in population databases (gnomAD no frequency). This sequence change replaces asparagine, which is neutral and polar, with tyrosine, which is neutral and polar, at codon 227 of the SLC34A1 protein (p.Asn227Tyr). This variant has not been reported in the literature in individuals affected with SLC34A1-related conditions. Algorithms developed to predict the effect of missense changes on protein structure and function (SIFT, PolyPhen-2, Align-GVGD) all suggest that this variant is likely to be disruptive. In summary, the available evidence is currently insufficient to determine the role of this variant in disease. Therefore, it has been classified as a Variant of Uncertain Significance.

NM_003052.5(SLC34A1):c.679A>T (p.Asn227Tyr)

Gene: SLC34A1 (solute carrier family 34 member 1; plus strand). Cytogenetic location: 5q35.3.
Variant type: single nucleotide variant.
Coding change: c.679A>T on transcript NM_003052.5 (MANE Select); coding-DNA position 679, A replaced by T.
Protein change: p.Asn227Tyr; replaces asparagine 227 with tyrosine.
Molecular consequence: missense variant.
Genome position (GRCh38, 1-based): chr5:177,388,028, A>T. VCF-style: chr5-177388028-A-T. GRCh37 (hg19) VCF-style: chr5-176815029-A-T.
Other names: c.679A>T, p.Asn227Tyr (NM_001167579.2); short protein forms N227Y.
Identifiers: ClinVar variation 2006250 (VCV002006250.4), dbSNP rs2481014092, ClinGen allele CA362365212.